The following is an entry in ClinVar:

ClinVar aggregate classification (germline): Uncertain significance (1 of 4 stars; one submission).

Conditions:
Cardiovascular phenotype. Identifiers: MedGen CN230736.

Submission:

Ambry Genetics
Classification: Uncertain significance for Cardiovascular phenotype. Last evaluated: 2024-08-14. Review status: criteria provided, single submitter. Criteria: Ambry Variant Classification Scheme 2023. Collection method: clinical testing. Allele origin: germline.
Comment: The p.I1020T variant (also known as c.3059T>C), located in coding exon 26 of the RYR2 gene, results from a T to C substitution at nucleotide position 3059. The isoleucine at codon 1020 is replaced by threonine, an amino acid with similar properties. This amino acid position is highly conserved in available vertebrate species. In addition, this alteration is predicted to be deleterious by in silico analysis. Based on the available evidence, the clinical significance of this variant remains unclear.

NM_001035.3(RYR2):c.3059T>C (p.Ile1020Thr)

Gene: RYR2 (ryanodine receptor 2; plus strand). Cytogenetic location: 1q43.
Variant type: single nucleotide variant.
Coding change: c.3059T>C on transcript NM_001035.3 (MANE Select); coding-DNA position 3059, T replaced by C.
Protein change: p.Ile1020Thr; replaces isoleucine 1020 with threonine.
Molecular consequence: missense variant.
Genome position (GRCh38, 1-based): chr1:237,548,583, T>C. VCF-style: chr1-237548583-T-C. GRCh37 (hg19) VCF-style: chr1-237711883-T-C.
Other names: short protein forms I1020T.
Identifiers: ClinVar variation 3436570 (VCV003436570.1).